The following is an entry in ClinVar:

NM_002528.7(NTHL1):c.229C>G (p.Pro77Ala)

Gene: NTHL1 (nth like DNA glycosylase 1; minus strand). Cytogenetic location: 16p13.3.
Variant type: single nucleotide variant.
Coding change: c.229C>G on transcript NM_002528.7 (MANE Select); coding-DNA position 229, C replaced by G.
Protein change: p.Pro77Ala; replaces proline 77 with alanine.
Molecular consequence: missense variant. On other transcripts: intron variant (1).
Genome position (GRCh38, 1-based): chr16:2,046,253, G>C on the plus strand (C>G on the coding strand, the complement: NTHL1 is on the minus strand). VCF-style: chr16-2046253-G-C. GRCh37 (hg19) VCF-style: chr16-2096254-G-C.
Other names: c.229C>G, p.Pro77Ala (NM_001318193.2); c.24+27C>G (NM_001318194.2); short protein forms P77A.
Identifiers: ClinVar variation 1792798 (VCV001792798.8), dbSNP rs1364808920, ClinGen allele CA394297339.

ClinVar aggregate classification (germline): Uncertain significance. Review status: criteria provided, multiple submitters, no conflicts (2 of 4 stars). 2 submissions from 2 submitters: Uncertain significance (2). Last evaluated 2025-10-05.

Conditions:
Hereditary cancer-predisposing syndrome. Also called: Tumor predisposition; Hereditary Cancer Syndrome; Neoplastic Syndromes, Hereditary; Hereditary neoplastic syndrome. Identifiers: Orphanet 140162, MedGen C0027672, MeSH D009386, MONDO:0015356.

gnomAD v4.1: 1 of 1,613,230 alleles (0.000062%); highest among the groups gnomAD compares: Non-Finnish European, 0.000085%; no homozygotes.

Submissions (2):

Ambry Genetics
Classification: Uncertain significance for Hereditary cancer-predisposing syndrome. Last evaluated: 2025-10-05. Review status: criteria provided, single submitter. Criteria: Ambry Variant Classification Scheme 2023. Collection method: clinical testing. Allele origin: germline.
Comment: The p.P85A variant (also known as c.253C>G), located in coding exon 2 of the NTHL1 gene, results from a C to G substitution at nucleotide position 253. The proline at codon 85 is replaced by alanine, an amino acid with highly similar properties. This amino acid position is not well conserved in available vertebrate species. In addition, this alteration is predicted to be tolerated by in silico analysis. Since supporting evidence is limited at this time, the clinical significance of this alteration remains unclear.

Labcorp Genetics (formerly Invitae), Labcorp
Classification: Uncertain significance. Last evaluated: 2025-02-17. Review status: criteria provided, single submitter. Criteria: Invitae Variant Classification Sherloc (09022015). Collection method: clinical testing. Allele origin: germline.
Comment: This sequence change replaces proline, which is neutral and non-polar, with alanine, which is neutral and non-polar, at codon 85 of the NTHL1 protein (p.Pro85Ala). This variant is not present in population databases (gnomAD no frequency). This variant has not been reported in the literature in individuals affected with NTHL1-related conditions. ClinVar contains an entry for this variant (Variation ID: 1792798). An algorithm developed to predict the effect of missense changes on protein structure and function (PolyPhen-2) suggests that this variant is likely to be tolerated. In summary, the available evidence is currently insufficient to determine the role of this variant in disease. Therefore, it has been classified as a Variant of Uncertain Significance.